The following is an entry in ClinVar:

NM_005845.5(ABCC4):c.3232G>A (p.Gly1078Arg)

Gene: ABCC4 (ATP binding cassette subfamily C member 4 (PEL blood group); minus strand). Cytogenetic location: 13q32.1.
Variant type: single nucleotide variant.
Coding change: c.3232G>A on transcript NM_005845.5 (MANE Select); coding-DNA position 3232, G replaced by A.
Protein change: p.Gly1078Arg; replaces glycine 1078 with arginine.
Molecular consequence: missense variant.
Genome position (GRCh38, 1-based): chr13:95,062,838, C>T on the plus strand (G>A on the coding strand, the complement: ABCC4 is on the minus strand). VCF-style: chr13-95062838-C-T. GRCh37 (hg19) VCF-style: chr13-95715092-C-T.
Other names: p.Gly1078Arg; c.3091G>A, p.Gly1031Arg (NM_001301829.2); short protein forms G1031R, G1078R.
Identifiers: ClinVar variation 3380158 (VCV003380158.1).

ClinVar aggregate classification (germline): Uncertain significance (1 of 4 stars; one submission).

gnomAD v4.1: 10 of 1,612,762 alleles (0.00062%); highest among the groups gnomAD compares: Admixed American, 0.0017%; no homozygotes.

Submission:

Mayo Clinic Laboratories, Mayo Clinic
Classification: Uncertain significance. Last evaluated: 2024-01-11. Review status: criteria provided, single submitter. Criteria: ACMG Guidelines, 2015. Collection method: clinical testing. Allele origin: germline. Observed: 1 variant allele.
Comment: PP3, PM1